The following is an entry in ClinVar:

NM_000264.5(PTCH1):c.2198C>G (p.Ser733Ter)

Genes: PTCH1 (patched 1; minus strand), LOC100507346 (uncharacterized LOC100507346; plus strand). Cytogenetic location: 9q22.32.
Variant type: single nucleotide variant.
Coding change: c.2198C>G on transcript NM_000264.5 (MANE Select); coding-DNA position 2198, C replaced by G.
Protein change: p.Ser733Ter; replaces serine 733 with a stop codon.
Molecular consequence: nonsense. On other transcripts: non-coding transcript variant (2).
Genome position (GRCh38, 1-based): chr9:95,468,803, G>C on the plus strand (C>G on the coding strand, the complement: PTCH1 is on the minus strand). VCF-style: chr9-95468803-G-C. GRCh37 (hg19) VCF-style: chr9-98231085-G-C.
Other names: c.2000C>G, p.Ser667Ter (NM_001083602.3); c.2195C>G, p.Ser732Ter (NM_001083603.3); c.1745C>G, p.Ser582Ter (NM_001083604.3, NM_001083605.3, NM_001083606.3 and 1 more transcripts); c.2042C>G, p.Ser681Ter (NM_001354918.2); short protein forms S582*, S667*, S681*, S732*, S733*.
Identifiers: ClinVar variation 1677175 (VCV001677175.4), dbSNP rs1311804361, ClinGen allele CA374115357.

ClinVar aggregate classification (germline): Pathogenic/Likely pathogenic. Review status: criteria provided, multiple submitters, no conflicts (2 of 4 stars). 3 submissions from 3 submitters: Pathogenic (2); Likely pathogenic (1). Last evaluated 2024-09-29.

Conditions:
Gorlin syndrome. Also called: Basal cell nevus syndrome; Nevoid Basal Cell Carcinoma Syndrome. Identifiers: Orphanet 377, MedGen C0004779, MONDO:0007187.

Submissions (3):

Labcorp Genetics (formerly Invitae), Labcorp
Classification: Pathogenic for Gorlin syndrome. Last evaluated: 2024-09-29. Review status: criteria provided, single submitter. Criteria: Invitae Variant Classification Sherloc (09022015). Collection method: clinical testing. Allele origin: germline.
Comment: This sequence change creates a premature translational stop signal (p.Ser733*) in the PTCH1 gene. It is expected to result in an absent or disrupted protein product. Loss-of-function variants in PTCH1 are known to be pathogenic (PMID: 16301862, 16419085). This variant is not present in population databases (gnomAD no frequency). This premature translational stop signal has been observed in individual(s) with nevoid basal cell carcinoma syndrome (PMID: 28342698). ClinVar contains an entry for this variant (Variation ID: 1677175). For these reasons, this variant has been classified as Pathogenic.

KCCC/NGS Laboratory, Kuwait Cancer Control Center
Classification: Pathogenic for Basal cell nevus syndrome 1. Last evaluated: 2023-07-07. Review status: criteria provided, single submitter. Criteria: ACMG Guidelines, 2015. Collection method: clinical testing. Allele origin: unknown. Affected: yes.
Comment: The PTCH1 c.2198C>G (p.Ser733X) results in a premature termination codon, predicted to cause a truncation of the encoded protein or absence of the protein due to nonsense mediated decay, which are commonly known mechanisms for disease. The variant is not present in gnomAD. c.2198C>G has been reported in the literature in at least one individual affected with Nevoid Basal Cell Carcinoma Syndrome (Gorlin Syndrome, Matsudate_2017). A different variant resulting in the same amino acid substitution has been classified as pathogenic in ClinVar (NM_000264.5(PTCH1):c.2198C>A (p.Ser733Ter), ClinVar ID 952866). Based on the evidence outlined above, the variant has been classified as likely pathogenic.

Women's Health and Genetics/Laboratory Corporation of America, LabCorp
Classification: Likely pathogenic for Gorlin syndrome. Last evaluated: 2022-03-22. Review status: criteria provided, single submitter. Criteria: LabCorp Variant Classification Summary - May 2015. Collection method: clinical testing. Allele origin: germline.
Comment: Variant summary: PTCH1 c.2198C>G (p.Ser733X) results in a premature termination codon, predicted to cause a truncation of the encoded protein or absence of the protein due to nonsense mediated decay, which are commonly known mechanisms for disease. The variant was absent in 251490 control chromosomes (gnomAD). c.2198C>G has been reported in the literature in at least one individual affected with Nevoid Basal Cell Carcinoma Syndrome (Gorlin Syndrome, Matsudate_2017). These data do not allow any conclusion about variant significance. To our knowledge, no experimental evidence demonstrating an impact on protein function has been reported. No clinical diagnostic laboratories have submitted clinical-significance assessments for this variant to ClinVar after 2014, however a different variant resulting in the same amino acid substitution has been classified as pathogenic in ClinVar (NM_000264.5(PTCH1):c.2198C>A (p.Ser733Ter), ClinVar ID 952866). Based on the evidence outlined above, the variant was classified as likely pathogenic.

Literature cited by the submitters: PubMed 16301862 (cited by Labcorp Genetics (formerly Invitae), Labcorp); PubMed 16419085 (cited by Labcorp Genetics (formerly Invitae), Labcorp); PubMed 28342698 (cited by Labcorp Genetics (formerly Invitae), Labcorp and Women's Health and Genetics/Laboratory Corporation of America, LabCorp).